The following is an entry in ClinVar:

ClinVar aggregate classification (germline): Uncertain significance (1 of 4 stars; one submission).

Submission:

Labcorp Genetics (formerly Invitae), Labcorp
Classification: Uncertain significance. Last evaluated: 2021-03-23. Review status: criteria provided, single submitter. Criteria: Invitae Variant Classification Sherloc (09022015). Collection method: clinical testing. Allele origin: germline.
Comment: This sequence change affects a donor splice site in intron 2 of the GUF1 gene. It is expected to disrupt RNA splicing. Variants that disrupt the donor or acceptor splice site typically lead to a loss of protein function (PMID: 16199547), however the current clinical and genetic evidence is not sufficient to establish whether loss-of-function variants in GUF1 cause disease. In summary, the available evidence is currently insufficient to determine the role of this variant in disease. Therefore, it has been classified as a Variant of Uncertain Significance. Algorithms developed to predict the effect of sequence changes on RNA splicing suggest that this variant may disrupt the consensus splice site, but this prediction has not been confirmed by published transcriptional studies. This variant has not been reported in the literature in individuals with GUF1-related conditions. This variant is not present in population databases (ExAC no frequency).

Literature cited by the submitters: PubMed 16199547.

NM_021927.3(GUF1):c.277+1G>A

Gene: GUF1 (GTP binding elongation factor GUF1; plus strand). Cytogenetic location: 4p12.
Variant type: single nucleotide variant.
Coding change: c.277+1G>A on transcript NM_021927.3 (MANE Select); the canonical splice donor site of the intron after coding-DNA position 277, G replaced by A.
Molecular consequence: splice donor variant. On other transcripts: intron variant (1).
Genome position (GRCh38, 1-based): chr4:44,680,553, G>A. VCF-style: chr4-44680553-G-A. GRCh37 (hg19) VCF-style: chr4-44682570-G-A.
Other names: c.277+1G>A (NM_001345868.2); c.-692+1G>A (NM_001345867.2); c.-695-141G>A (NM_001345869.2).
Identifiers: ClinVar variation 1405062 (VCV001405062.8), dbSNP rs2109629200, ClinGen allele CA356760802.